The following is an entry in ClinVar:

NM_001033046.4(CYBC1):c.35G>A (p.Arg12His)

Gene: CYBC1 (cytochrome b-245 chaperone 1; minus strand). Cytogenetic location: 17q25.3.
Variant type: single nucleotide variant.
Coding change: c.35G>A on transcript NM_001033046.4 (MANE Select); coding-DNA position 35, G replaced by A.
Protein change: p.Arg12His; replaces arginine 12 with histidine.
Molecular consequence: missense variant. On other transcripts: non-coding transcript variant (1).
Genome position (GRCh38, 1-based): chr17:82,449,220, C>T on the plus strand (G>A on the coding strand, the complement: CYBC1 is on the minus strand). VCF-style: chr17-82449220-C-T. GRCh37 (hg19) VCF-style: chr17-80407096-C-T.
Other names: c.35G>A, p.Arg12His (NM_001100407.3, NM_001100408.3, NM_001193653.2 and 3 more transcripts); short protein forms R12H.
Identifiers: ClinVar variation 1682739 (VCV001682739.5), dbSNP rs754945284, ClinGen allele CA8858416.

ClinVar aggregate classification (germline): Uncertain significance (1 of 4 stars; one submission).

Allele frequency attached by ClinVar (database versions not stated): TOPMed 0.00001; gnomAD exomes 0.00003.

Submission:

Labcorp Genetics (formerly Invitae), Labcorp
Classification: Uncertain significance. Last evaluated: 2021-09-25. Review status: criteria provided, single submitter. Criteria: Invitae Variant Classification Sherloc (09022015). Collection method: clinical testing. Allele origin: germline.
Comment: This sequence change replaces arginine with histidine at codon 12 of the C17orf62 protein (p.Arg12His). The arginine residue is weakly conserved and there is a small physicochemical difference between arginine and histidine. The frequency data for this variant in the population databases is considered unreliable, as metrics indicate poor data quality at this position in the ExAC database. This variant has not been reported in the literature in individuals affected with C17orf62-related conditions. Algorithms developed to predict the effect of missense changes on protein structure and function (SIFT, PolyPhen-2, Align-GVGD) all suggest that this variant is likely to be tolerated. In summary, the available evidence is currently insufficient to determine the role of this variant in disease. Therefore, it has been classified as a Variant of Uncertain Significance.